The following is an entry in ClinVar:

NC_000004.11:g.(?_123663048)_(123665180_?)del

Gene: BBS12 (Bardet-Biedl syndrome 12; plus strand). Cytogenetic location: 4q27.
Variant type: Deletion.
Identifiers: ClinVar variation 3246644 (VCV003246644.1).

ClinVar aggregate classification (germline): Pathogenic (1 of 4 stars; one submission).

Conditions:
Bardet-Biedl syndrome (BBS). Identifiers: Orphanet 110, MedGen C0752166, MONDO:0015229.

Submission:

Labcorp Genetics (formerly Invitae), Labcorp
Classification: Pathogenic for Bardet-Biedl syndrome. Last evaluated: 2022-11-08. Review status: criteria provided, single submitter. Criteria: Invitae Variant Classification Sherloc (09022015). Collection method: clinical testing. Allele origin: unknown.
Comment: For these reasons, this variant has been classified as Pathogenic. This variant has not been reported in the literature in individuals affected with BBS12-related conditions. A gross deletion of the genomic region encompassing the full coding sequence of the BBS12 gene has been identified. Loss-of-function variants in BBS12 are known to be pathogenic (PMID: 20472660, 27659767). The boundaries of this event are unknown as they extend beyond the assayed region for this gene and therefore may encompass additional genes.

Literature cited by the submitters: PubMed 20472660; PubMed 27659767.